The following is an entry in ClinVar:

ClinVar aggregate classification (germline): Pathogenic (1 of 4 stars; one submission).

Conditions:
Paediatric disorders.

Submission:

North West Genomic Laboratory Hub, Manchester University NHS Foundation Trust
Classification: Pathogenic for Paediatric disorders. Last evaluated: 2025-11-11. Review status: criteria provided, single submitter. Criteria: ACGS Best Practice Guidelines for Variant Classification in Rare Disease 2024. Collection method: clinical testing. Allele origin: germline. Affected: yes.
Comment: PM2_Mod PVS1_VStr

NM_014994.3(MAPKBP1):c.1500del (p.His500fs)

Gene: MAPKBP1 (mitogen-activated protein kinase binding protein 1; plus strand). Cytogenetic location: 15q15.1.
Variant type: Deletion.
Coding change: c.1500del on transcript NM_014994.3 (MANE Select); coding-DNA position 1500, one base deleted (C; older notation c.1500delC).
Protein change: p.His500fs; shifts the reading frame from histidine 500.
Molecular consequence: frameshift variant. On other transcripts: non-coding transcript variant (2).
Genome position (GRCh38, 1-based): chr15:41,816,565, C deleted. VCF-style (leftmost placement, unchanged base first): chr15-41816564-AC-A. GRCh37 (hg19) VCF-style: chr15-42108762-AC-A.
Other names: c.1518del, p.His506fs (NM_001128608.2); c.1500del, p.His500fs (NM_001265611.2); short protein forms H500fs, H506fs.
Identifiers: ClinVar variation 4887990 (VCV004887990.1).